The following is an entry in ClinVar:

ClinVar aggregate classification (germline): Uncertain significance (1 of 4 stars; one submission).

Conditions:
Kufor-Rakeb syndrome (KRS). Also called: PARKINSON DISEASE 9, AUTOSOMAL RECESSIVE, JUVENILE-ONSET. Identifiers: Orphanet 306674, Orphanet 314632, MedGen C1847640, MONDO:0011706, OMIM 606693.
Autosomal recessive spastic paraplegia type 78. Identifiers: Orphanet 513436, MedGen C5567893, MONDO:0014975, OMIM 617225.

Submission:

Labcorp Genetics (formerly Invitae), Labcorp
Classification: Uncertain significance for Kufor-Rakeb syndrome; Autosomal recessive spastic paraplegia type 78. Last evaluated: 2021-05-07. Review status: criteria provided, single submitter. Criteria: Invitae Variant Classification Sherloc (09022015). Collection method: clinical testing. Allele origin: germline.
Comment: This variant is not present in population databases (ExAC no frequency). This sequence change replaces valine with leucine at codon 969 of the ATP13A2 protein (p.Val969Leu). The valine residue is weakly conserved and there is a small physicochemical difference between valine and leucine. This variant has not been reported in the literature in individuals with ATP13A2-related conditions. In summary, the available evidence is currently insufficient to determine the role of this variant in disease. Therefore, it has been classified as a Variant of Uncertain Significance. Advanced modeling of protein sequence and biophysical properties (such as structural, functional, and spatial information, amino acid conservation, physicochemical variation, residue mobility, and thermodynamic stability) performed at Invitae indicates that this missense variant is not expected to disrupt ATP13A2 protein function.

NM_022089.4(ATP13A2):c.2905G>C (p.Val969Leu)

Gene: ATP13A2 (ATPase cation transporting 13A2; minus strand). Cytogenetic location: 1p36.13.
Variant type: single nucleotide variant.
Coding change: c.2905G>C on transcript NM_022089.4 (MANE Select); coding-DNA position 2905, G replaced by C.
Protein change: p.Val969Leu; replaces valine 969 with leucine.
Molecular consequence: missense variant.
Genome position (GRCh38, 1-based): chr1:16,987,224, C>G on the plus strand (G>C on the coding strand, the complement: ATP13A2 is on the minus strand). VCF-style: chr1-16987224-C-G. GRCh37 (hg19) VCF-style: chr1-17313719-C-G.
Other names: c.2890G>C, p.Val964Leu (NM_001141973.3); c.2773G>C, p.Val925Leu (NM_001141974.3); short protein forms V925L, V964L, V969L.
Identifiers: ClinVar variation 1426447 (VCV001426447.8), dbSNP rs769445714, ClinGen allele CA338235586.